The following is an entry in ClinVar:

NM_170606.3(KMT2C):c.1622-1G>A

Gene: KMT2C (lysine methyltransferase 2C; minus strand). Cytogenetic location: 7q36.1.
Variant type: single nucleotide variant.
Coding change: c.1622-1G>A on transcript NM_170606.3 (MANE Select); the canonical splice acceptor site of the intron before coding-DNA position 1622, G replaced by A.
Molecular consequence: splice acceptor variant.
Genome position (GRCh38, 1-based): chr7:152,250,967, C>T on the plus strand (G>A on the coding strand, the complement: KMT2C is on the minus strand). VCF-style: chr7-152250967-C-T. GRCh37 (hg19) VCF-style: chr7-151948052-C-T.
Identifiers: ClinVar variation 4855309 (VCV004855309.1).
Genomic context (GRCh38, chr7:152,250,967, plus strand): 5'-CCTGCTCTGAGAATACCATTTGATCTTCAGGGCCTTCAACTTCCATTTCATTGTTATAAT[C>T]TTAACAAAAAATTATTAATTCTTTAGCTCAGAATGAGTTTTTTTCTTTGTTCATTAAGTC-3'

ClinVar aggregate classification (germline): Likely pathogenic (1 of 4 stars; one submission).

Conditions:
Kleefstra syndrome 2 (KLEFS2). Identifiers: MedGen C4540395, MONDO:0054701, OMIM 617768.

Submission:

3billion
Classification: Likely pathogenic for Kleefstra syndrome 2. Last evaluated: 2025-08-19. Review status: criteria provided, single submitter. Criteria: ACMG Guidelines, 2015. Collection method: clinical testing. Allele origin: germline. Affected: yes.
Comment: The variant is not observed in the gnomAD v4.1.0 dataset. Predicted Consequence/Location: Canonical splice site: predicted to alter splicing and result in a loss or disruption of normal protein function. Multiple pathogenic loss-of-function variants are reported downstream of the variant. In silico tools predict the variant to alter splicing and produce an abnormal transcript [SpliceAI: 1.00 (spliceogenicity >=0.2, non-spliceogenicity <0.1)]. Therefore, this variant is classified as Likely pathogenic according to the recommendation of ACMG/AMP guideline.